The following is an entry in ClinVar:

NM_014727.3(KMT2B):c.5601G>A (p.Val1867=)

Gene: KMT2B (lysine methyltransferase 2B; plus strand). Cytogenetic location: 19q13.12.
Variant type: single nucleotide variant.
Coding change: c.5601G>A on transcript NM_014727.3 (MANE Select); coding-DNA position 5601, G replaced by A.
Protein change: p.Val1867=; no amino-acid change (valine 1867 retained).
Molecular consequence: synonymous variant.
Genome position (GRCh38, 1-based): chr19:35,732,071, G>A. VCF-style: chr19-35732071-G-A. GRCh37 (hg19) VCF-style: chr19-36222972-G-A.
Identifiers: ClinVar variation 742335 (VCV000742335.17), dbSNP rs375287810, ClinGen allele CA9385466.

ClinVar aggregate classification (germline): Likely benign. Review status: criteria provided, multiple submitters, no conflicts (2 of 4 stars). 3 submissions from 3 submitters: Likely benign (3). Last evaluated 2025-10-02.

Allele frequency attached by ClinVar (database versions not stated): TOPMed 0.00021.
gnomAD v4.1: 292 of 1,610,522 alleles (0.018%); highest among the groups gnomAD compares: Non-Finnish European, 0.023%; no homozygotes.

Submissions (3):

Labcorp Genetics (formerly Invitae), Labcorp
Classification: Likely benign. Last evaluated: 2025-10-02. Review status: criteria provided, single submitter. Criteria: Invitae Variant Classification Sherloc (09022015). Collection method: clinical testing. Allele origin: germline.

CeGaT Center for Human Genetics Tuebingen
Classification: Likely benign. Last evaluated: 2025-07-01. Review status: criteria provided, single submitter. Criteria: CeGaT Center For Human Genetics Tuebingen Variant Classification Criteria Version 2. Collection method: clinical testing. Allele origin: germline. Affected: yes. Observed: 1 variant allele.
Comment: KMT2B: BP4

GeneDx
Classification: Likely benign. Last evaluated: 2020-10-19. Review status: criteria provided, single submitter. Criteria: GeneDx Variant Classification Process June 2021. Collection method: clinical testing. Allele origin: germline. Affected: yes.